The following is an entry in ClinVar:

NM_194279.4(ISCA2):c.254A>G (p.Lys85Arg)

Gene: ISCA2 (iron-sulfur cluster assembly 2; plus strand). Cytogenetic location: 14q24.3.
Variant type: single nucleotide variant.
Coding change: c.254A>G on transcript NM_194279.4 (MANE Select); coding-DNA position 254, A replaced by G.
Protein change: p.Lys85Arg; replaces lysine 85 with arginine.
Molecular consequence: missense variant. On other transcripts: intron variant (1).
Genome position (GRCh38, 1-based): chr14:74,494,354, A>G. VCF-style: chr14-74494354-A-G. GRCh37 (hg19) VCF-style: chr14-74961057-A-G.
Other names: c.174+202A>G (NM_001272007.2); c.254A>G (NM_194279.2); short protein forms K85R.
Identifiers: ClinVar variation 1702668 (VCV001702668.5), dbSNP rs148923908, ClinGen allele CA7268311.

ClinVar aggregate classification (germline): Uncertain significance. Review status: criteria provided, multiple submitters, no conflicts (2 of 4 stars). 2 submissions from 2 submitters: Uncertain significance (2). Last evaluated 2022-08-19.

Conditions:
Inborn genetic diseases. Identifiers: MedGen C0950123, MeSH D030342.

Allele frequency attached by ClinVar (database versions not stated): gnomAD 0.00016 and 0.00017; 1000 Genomes Project 0.00020; TOPMed 0.00020; 1000 Genomes Project 30x 0.00031; ESP Exome Variant Server 0.00031.
gnomAD v4.1: 94 of 1,614,086 alleles (0.0058%); highest among the groups gnomAD compares: African/African-American, 0.068%; no homozygotes.

Submissions (2):

GeneDx
Classification: Uncertain significance. Last evaluated: 2022-08-19. Review status: criteria provided, single submitter. Criteria: GeneDx Variant Classification Process June 2021. Collection method: clinical testing. Allele origin: germline. Affected: yes.
Comment: In silico analysis supports that this missense variant has a deleterious effect on protein structure/function; Has not been previously published as pathogenic or benign to our knowledge

Ambry Genetics
Classification: Uncertain significance for Inborn genetic diseases. Last evaluated: 2022-03-11. Review status: criteria provided, single submitter. Criteria: Ambry Variant Classification Scheme 2023. Collection method: clinical testing. Allele origin: germline.